The following is an entry in ClinVar:

NM_001184880.2(PCDH19):c.1877C>T (p.Thr626Ile)

Gene: PCDH19 (protocadherin 19; minus strand). Cytogenetic location: Xq22.1.
Variant type: single nucleotide variant.
Coding change: c.1877C>T on transcript NM_001184880.2 (MANE Select); coding-DNA position 1877, C replaced by T.
Protein change: p.Thr626Ile; replaces threonine 626 with isoleucine.
Molecular consequence: missense variant.
Genome position (GRCh38, 1-based): chrX:100,406,721, G>A on the plus strand (C>T on the coding strand, the complement: PCDH19 is on the minus strand). VCF-style: chrX-100406721-G-A. GRCh37 (hg19) VCF-style: chrX-99661719-G-A.
Other names: p.T626I:ACC>ATC; c.1877C>T, p.Thr626Ile (NM_001105243.2, NM_020766.3); short protein forms T626I.
Identifiers: ClinVar variation 206298 (VCV000206298.15), dbSNP rs201764553, ClinGen allele CA316251.

ClinVar aggregate classification (germline): Conflicting classifications of pathogenicity. Review status: criteria provided, conflicting classifications (1 of 4 stars). 4 submissions from 4 submitters: Uncertain significance (1); Likely benign (2). 1 of the submissions does not count toward it. Last evaluated 2025-09-11.

Conditions:
Developmental and epileptic encephalopathy, 9 (DEE9). Also called: Early infantile epileptic encephalopathy 9; EPILEPSY, FEMALE-RESTRICTED, WITH MENTAL RETARDATION; PCDH19-Related X-Linked Female-Limited Epilepsy with Mental Retardation; JUBERG-HELLMAN SYNDROME. Identifiers: Orphanet 101039, Orphanet 2076, MedGen C1848137, MONDO:0010246, OMIM 300088. Disease mechanism: loss of function.
Inborn genetic diseases. Identifiers: MedGen C0950123, MeSH D030342.
sporadic NAFE.

Allele frequency attached by ClinVar (database versions not stated): gnomAD exomes 0.00013 and 0.00004; ExAC 0.00003; gnomAD 0.00006 and 0.00007; TOPMed 0.00007.
gnomAD v4.1: 146 of 1,210,133 alleles (0.012%); highest among the groups gnomAD compares: Non-Finnish European, 0.016%; no homozygotes.

Submissions (4):

Labcorp Genetics (formerly Invitae), Labcorp
Classification: Uncertain significance for Developmental and epileptic encephalopathy, 9. Last evaluated: 2025-09-11. Review status: criteria provided, single submitter. Criteria: Invitae Variant Classification Sherloc (09022015). Collection method: clinical testing. Allele origin: germline.
Comment: This sequence change replaces threonine, which is neutral and polar, with isoleucine, which is neutral and non-polar, at codon 626 of the PCDH19 protein (p.Thr626Ile). This variant is present in population databases (rs201764553, gnomAD 0.009%). This variant has not been reported in the literature in individuals affected with PCDH19-related conditions. ClinVar contains an entry for this variant (Variation ID: 206298). Invitae Evidence Modeling of protein sequence and biophysical properties (such as structural, functional, and spatial information, amino acid conservation, physicochemical variation, residue mobility, and thermodynamic stability) has been performed for this missense variant. However, the output from this modeling did not meet the statistical confidence thresholds required to predict the impact of this variant on PCDH19 protein function. In summary, the available evidence is currently insufficient to determine the role of this variant in disease. Therefore, it has been classified as a Variant of Uncertain Significance.

Ambry Genetics
Classification: Likely benign for Inborn genetic diseases. Last evaluated: 2017-05-18. Review status: criteria provided, single submitter. Criteria: Ambry Variant Classification Scheme 2023. Collection method: clinical testing. Allele origin: germline.

GeneDx
Classification: Likely benign. Last evaluated: 2013-08-02. Review status: criteria provided, single submitter. Criteria: GeneDx Variant Classification (06012015). Collection method: clinical testing. Allele origin: germline. Affected: yes.
Comment: This variant is considered likely benign or benign based on one or more of the following criteria: it is a conservative change, it occurs at a poorly conserved position in the protein, it is predicted to be benign by multiple in silico algorithms, and/or has population frequency not consistent with disease.

Neurogenetics Research Program, University of Adelaide
Classification: Likely benign for sporadic NAFE. Last evaluated: 2019-12-20. Review status: no assertion criteria provided. Collection method: research. Allele origin: de novo. Affected: yes. Not counted in ClinVar's aggregate classification.